The following is an entry in ClinVar:

ClinVar aggregate classification (germline): Conflicting classifications of pathogenicity. Review status: criteria provided, conflicting classifications (1 of 4 stars). 3 submissions from 3 submitters: Pathogenic (1); Uncertain significance (2). Last evaluated 2026-09-17.

Conditions:
CFI-related disorder. Also called: CFI-related condition; CFI-related disorders. Identifiers: MedGen CN239325.

Allele frequency attached by ClinVar (database versions not stated): ExAC 0.00002; gnomAD 0.00003; gnomAD exomes 0.00003; TOPMed 0.00003.
gnomAD v4.1: 55 of 1,614,036 alleles (0.0034%); highest among the groups gnomAD compares: South Asian, 0.02%; no homozygotes.

Submissions (3):

Genomenon, Inc
Classification: Pathogenic for CFI-related disorder. Last evaluated: 2026-09-17. Review status: criteria provided, single submitter. Criteria: Genomenon Sequence Variant Interpretation Standards - Updated. Collection method: curation. Allele origin: germline. Affected: yes.
Comment: CFI p.Arg474Gln (c.1421G>A) is a missense variant that changes the amino acid at codon 474 from Arginine to Glutamine. This variant has been observed in at least one proband affected with a CFI-related disorder (PMID:32510551;35619721). At least one functional study has demonstrated a substantial alteration in protein function relative to the wild-type (PMID:38852887;35069568). This variant is located in a mutational hotspot and/or important functional domain. It is absent or not present at a significant frequency in gnomAD. In conclusion, we classify CFI p.Arg474Gln (c.1421G>A) as a pathogenic variant.

Labcorp Genetics (formerly Invitae), Labcorp
Classification: Uncertain significance. Last evaluated: 2025-05-05. Review status: criteria provided, single submitter. Criteria: Invitae Variant Classification Sherloc (09022015). Collection method: clinical testing. Allele origin: germline.
Comment: This sequence change replaces arginine, which is basic and polar, with glutamine, which is neutral and polar, at codon 474 of the CFI protein (p.Arg474Gln). This variant is present in population databases (rs765956155, gnomAD 0.03%). This missense change has been observed in individual(s) with CFI-related conditions (PMID: 26826462). ClinVar contains an entry for this variant (Variation ID: 2203558). Invitae Evidence Modeling of protein sequence and biophysical properties (such as structural, functional, and spatial information, amino acid conservation, physicochemical variation, residue mobility, and thermodynamic stability) indicates that this missense variant is not expected to disrupt CFI protein function with a negative predictive value of 80%. Experimental studies are conflicting or provide insufficient evidence to determine the effect of this variant on CFI function (PMID: 32510551, 35069568). In summary, the available evidence is currently insufficient to determine the role of this variant in disease. Therefore, it has been classified as a Variant of Uncertain Significance.

Women's Health and Genetics/Laboratory Corporation of America, LabCorp
Classification: Uncertain significance. Last evaluated: 2024-06-25. Review status: criteria provided, single submitter. Criteria: LabCorp Variant Classification Summary - May 2015. Collection method: clinical testing. Allele origin: germline.
Comment: Variant summary: CFI c.1421G>A (p.Arg474Gln) results in a conservative amino acid change located in the serine proteases, trypsin domain (IPR001254) of the encoded protein sequence. Four of five in-silico tools predict a benign effect of the variant on protein function. The variant allele was found at a frequency of 4.8e-05 in 251304 control chromosomes. This frequency is not significantly higher than estimated for a pathogenic variant in CFI causing Complement Factor I Deficiency (4.8e-05 vs 0.0011), allowing no conclusion about variant significance. c.1421G>A has been reported in the literature in the heterozygous state in at least two individuals affected with Atypical Hemolytic Uremic Syndrome, however in one case the individual also had a pathogenic CFI variant in trans and it was unclear whether it alone may have been causative for the phenotype (e.g. Szarvas_2016, Zhang_2022). These reports do not provide unequivocal conclusions about association of the variant with CFI-related disorders. Functional studies evaluating an impact on protein function reported that the variant had no impact on FI expression versus the WT protein, but resulted in a moderately reduced ability to degrade C3b in vitro and in patient serum (e.g. de Jong_2020, de Jong_2022, Zhang_2022). The following publications have been ascertained in the context of this evaluation (PMID: 26826462, 35619721, 35069568, 32510551). ClinVar contains an entry for this variant (Variation ID: 2203558). Based on the evidence outlined above, the variant was classified as VUS-possibly pathogenic.

Literature cited by the submitters: PubMed 32510551 (cited by 3 submitters); PubMed 35619721 (cited by Genomenon, Inc and Women's Health and Genetics/Laboratory Corporation of America, LabCorp); PubMed 38852887 (cited by Genomenon, Inc); PubMed 35069568 (cited by 3 submitters); PubMed 26826462 (cited by Labcorp Genetics (formerly Invitae), Labcorp and Women's Health and Genetics/Laboratory Corporation of America, LabCorp).

NM_000204.5(CFI):c.1421G>A (p.Arg474Gln)

Gene: CFI (complement factor I; minus strand). Cytogenetic location: 4q25.
Variant type: single nucleotide variant.
Coding change: c.1421G>A on transcript NM_000204.5 (MANE Select); coding-DNA position 1421, G replaced by A.
Protein change: p.Arg474Gln; replaces arginine 474 with glutamine.
Molecular consequence: missense variant. On other transcripts: non-coding transcript variant (2).
Genome position (GRCh38, 1-based): chr4:109,746,230, C>T on the plus strand (G>A on the coding strand, the complement: CFI is on the minus strand). VCF-style: chr4-109746230-C-T. GRCh37 (hg19) VCF-style: chr4-110667386-C-T.
Other names: c.1445G>A, p.Arg482Gln (NM_001318057.2, NM_001375278.1); c.1400G>A, p.Arg467Gln (NM_001331035.2, NM_001375280.1, NM_001375282.1); c.1421G>A, p.Arg474Gln (NM_001375279.1, NM_001375281.1); c.1364G>A, p.Arg455Gln (NM_001375283.1); c.812G>A, p.Arg271Gln (NM_001375284.1); short protein forms R467Q, R474Q, R271Q, R455Q, R482Q.
Identifiers: ClinVar variation 2203558 (VCV002203558.7), dbSNP rs765956155, ClinGen allele CA3041919.